The following is an entry in ClinVar:

ClinVar aggregate classification (germline): Uncertain significance (1 of 4 stars; one submission).

Allele frequency attached by ClinVar (database versions not stated): 1000 Genomes Project 30x 0.00016; 1000 Genomes Project 0.00020.

Submission:

Labcorp Genetics (formerly Invitae), Labcorp
Classification: Uncertain significance. Last evaluated: 2023-09-20. Review status: criteria provided, single submitter. Criteria: Invitae Variant Classification Sherloc (09022015). Collection method: clinical testing. Allele origin: germline.
Comment: This sequence change replaces tyrosine, which is neutral and polar, with cysteine, which is neutral and slightly polar, at codon 161 of the MTMR14 protein (p.Tyr161Cys). This variant is present in population databases (rs200189498, gnomAD 0.004%). This variant has not been reported in the literature in individuals affected with MTMR14-related conditions. Advanced modeling of protein sequence and biophysical properties (such as structural, functional, and spatial information, amino acid conservation, physicochemical variation, residue mobility, and thermodynamic stability) performed at Invitae indicates that this missense variant is not expected to disrupt MTMR14 protein function. In summary, the available evidence is currently insufficient to determine the role of this variant in disease. Therefore, it has been classified as a Variant of Uncertain Significance.

NM_001077525.3(MTMR14):c.482A>G (p.Tyr161Cys)

Gene: MTMR14 (myotubularin related protein 14; plus strand). Cytogenetic location: 3p25.3.
Variant type: single nucleotide variant.
Coding change: c.482A>G on transcript NM_001077525.3 (MANE Select); coding-DNA position 482, A replaced by G.
Protein change: p.Tyr161Cys; replaces tyrosine 161 with cysteine.
Molecular consequence: missense variant. On other transcripts: intron variant (19), 5 prime UTR variant (2), non-coding transcript variant (5).
Genome position (GRCh38, 1-based): chr3:9,668,783, A>G. VCF-style: chr3-9668783-A-G. GRCh37 (hg19) VCF-style: chr3-9710467-A-G.
Other names: c.482A>G, p.Tyr161Cys (NM_001077526.3, NM_001400519.1, NM_001400520.1 and 4 more transcripts); c.551A>G, p.Tyr184Cys (NM_001400518.1, NM_001400521.1, NM_001400526.1); c.200A>G, p.Tyr67Cys (NM_001400525.1, NM_001400529.1, NM_001400532.1 and 1 more transcripts); c.-149-649A>G (NM_001400546.1, NM_001400538.1, NM_001400549.1 and 4 more transcripts); c.-222-649A>G (NM_001400548.1); c.-88-2265A>G (NM_001400533.1, NM_001400539.1, NM_001400545.1 and 1 more transcripts); c.-161-2265A>G (NM_001400544.1, NM_001400550.1); c.309-2265A>G (NM_001400524.1, NM_001400527.1, NM_001400530.1 and 1 more transcripts); and 3 more; short protein forms Y67C, Y161C, Y184C.
Identifiers: ClinVar variation 2874393 (VCV002874393.3), dbSNP rs200189498, ClinGen allele CA2240308.